The following is an entry in ClinVar:

ClinVar aggregate classification (germline): Uncertain significance. Review status: criteria provided, multiple submitters, no conflicts (2 of 4 stars). 2 submissions from 2 submitters: Uncertain significance (2). Last evaluated 2025-06-05.

Conditions:
Hereditary cancer-predisposing syndrome. Also called: Hereditary neoplastic syndrome; Neoplastic Syndromes, Hereditary; Tumor predisposition; Hereditary Cancer Syndrome. Identifiers: Orphanet 140162, MedGen C0027672, MeSH D009386, MONDO:0015356.
Oligodontia-cancer predisposition syndrome. Also called: TOOTH AGENESIS-COLORECTAL CANCER SYNDROME. Identifiers: Orphanet 300576, MedGen C1837750, MONDO:0012075, OMIM 608615. Disease mechanism: loss of function.

Allele frequency attached by ClinVar (database versions not stated): gnomAD exomes below 0.00001; ExAC 0.00001; ESP Exome Variant Server 0.00008.
gnomAD v4.1: 1 of 1,614,174 alleles (0.000062%); highest among the groups gnomAD compares: Non-Finnish European, 0.000085%; no homozygotes.

Submissions (2):

Labcorp Genetics (formerly Invitae), Labcorp
Classification: Uncertain significance for Oligodontia-cancer predisposition syndrome. Last evaluated: 2025-06-05. Review status: criteria provided, single submitter. Criteria: Invitae Variant Classification Sherloc (09022015). Collection method: clinical testing. Allele origin: germline.
Comment: This sequence change replaces arginine, which is basic and polar, with serine, which is neutral and polar, at codon 256 of the AXIN2 protein (p.Arg256Ser). This variant is not present in population databases (gnomAD no frequency). This variant has not been reported in the literature in individuals affected with AXIN2-related conditions. ClinVar contains an entry for this variant (Variation ID: 1509241). Invitae Evidence Modeling of protein sequence and biophysical properties (such as structural, functional, and spatial information, amino acid conservation, physicochemical variation, residue mobility, and thermodynamic stability) indicates that this missense variant is not expected to disrupt AXIN2 protein function with a negative predictive value of 80%. In summary, the available evidence is currently insufficient to determine the role of this variant in disease. Therefore, it has been classified as a Variant of Uncertain Significance.

Ambry Genetics
Classification: Uncertain significance for Hereditary cancer-predisposing syndrome. Last evaluated: 2022-01-29. Review status: criteria provided, single submitter. Criteria: Ambry Variant Classification Scheme 2023. Collection method: clinical testing. Allele origin: germline.
Comment: The p.R256S variant (also known as c.768G>T), located in coding exon 1 of the AXIN2 gene, results from a G to T substitution at nucleotide position 768. The arginine at codon 256 is replaced by serine, an amino acid with dissimilar properties. This amino acid position is conserved. In addition, the in silico prediction for this alteration is inconclusive. Since supporting evidence is limited at this time, the clinical significance of this alteration remains unclear.

NM_004655.4(AXIN2):c.768G>T (p.Arg256Ser)

Gene: AXIN2 (axin 2; minus strand). Cytogenetic location: 17q24.1.
Variant type: single nucleotide variant.
Coding change: c.768G>T on transcript NM_004655.4 (MANE Select); coding-DNA position 768, G replaced by T.
Protein change: p.Arg256Ser; replaces arginine 256 with serine.
Molecular consequence: missense variant.
Genome position (GRCh38, 1-based): chr17:65,557,853, C>A on the plus strand (G>T on the coding strand, the complement: AXIN2 is on the minus strand). VCF-style: chr17-65557853-C-A. GRCh37 (hg19) VCF-style: chr17-63553971-C-A.
Other names: c.768G>T, p.Arg256Ser (NM_001363813.1); short protein forms R256S.
Identifiers: ClinVar variation 1509241 (VCV001509241.8), dbSNP rs142454363, ClinGen allele CA8718993.